The following is an entry in ClinVar:

NM_001271.4(CHD2):c.382-179T>C

Gene: CHD2 (chromodomain helicase DNA binding protein 2; plus strand). Cytogenetic location: 15q26.1.
Variant type: single nucleotide variant.
Coding change: c.382-179T>C on transcript NM_001271.4 (MANE Select); 179 bases into the intron before coding-DNA position 382, T replaced by C.
Molecular consequence: intron variant.
Genome position (GRCh38, 1-based): chr15:92,928,851, T>C. VCF-style: chr15-92928851-T-C. GRCh37 (hg19) VCF-style: chr15-93472081-T-C.
Other names: c.382-179T>C (NM_001042572.3).
Identifiers: ClinVar variation 677368 (VCV000677368.2), dbSNP rs145139295, ClinGen allele CA274855781.
Genomic context (GRCh38, chr15:92,928,851, plus strand): 5'-AGTCAAGCTGAGATAAATATTTCCTGGCTTTAGAGATAACTCAGTGATAGCAGAGAGATA[T>C]TAATTTTCAAATCAAAAGAAGAGGGAGTTCCACCAAGCAAGTGCTTAGGTTTCTTTGTGT-3'

ClinVar aggregate classification (germline): Likely benign. Review status: criteria provided, multiple submitters, no conflicts (2 of 4 stars). 2 submissions from 2 submitters: Likely benign (2). Last evaluated 2018-06-19.

Allele frequency attached by ClinVar (database versions not stated): 1000 Genomes Project 0.00579; 1000 Genomes Project 30x 0.00625; gnomAD 0.00694; TOPMed 0.00754.
gnomAD v4.1: 1,018 of 152,326 alleles (0.67%); highest among the groups gnomAD compares: African/African-American, 2.2%; 12 homozygotes.

Submissions (2):

GeneDx
Classification: Likely benign. Last evaluated: 2018-06-19. Review status: criteria provided, single submitter. Criteria: GeneDx Variant Classification (06012015). Collection method: clinical testing. Allele origin: germline. Affected: yes.
Comment: This variant is considered likely benign or benign based on one or more of the following criteria: it is a conservative change, it occurs at a poorly conserved position in the protein, it is predicted to be benign by multiple in silico algorithms, and/or has population frequency not consistent with disease.

Breakthrough Genomics
Classification: Likely benign. Review status: criteria provided, single submitter. Criteria: ACMG Guidelines, 2015. Collection method: not provided. Allele origin: germline. Inheritance: Autosomal dominant inheritance. Affected: yes.